The following is an entry in ClinVar:

ClinVar aggregate classification (germline): Pathogenic (1 of 4 stars; one submission).

Conditions:
Hereditary cancer-predisposing syndrome. Also called: Hereditary Cancer Syndrome; Neoplastic Syndromes, Hereditary; Tumor predisposition; Hereditary neoplastic syndrome. Identifiers: Orphanet 140162, MedGen C0027672, MeSH D009386, MONDO:0015356.

Submission:

Ambry Genetics
Classification: Pathogenic for Hereditary cancer-predisposing syndrome. Last evaluated: 2016-08-31. Review status: criteria provided, single submitter. Criteria: Ambry Variant Classification Scheme 2023. Collection method: clinical testing. Allele origin: germline.
Comment: The c.810_828del19 pathogenic mutation, located in coding exon 4 of the PALB2 gene, results from a deletion of 19 nucleotides at nucleotide positions 810 to 828, causing a translational frameshift with a predicted alternate stop codon. This alteration is expected to result in loss of function by premature protein truncation or nonsense-mediated mRNA decay. As such, this alteration is interpreted as a disease-causing mutation.

NM_024675.4(PALB2):c.810_828del (p.Ser270fs)

Gene: PALB2 (partner and localizer of BRCA2; minus strand). Cytogenetic location: 16p12.2.
Variant type: Deletion.
Coding change: c.810_828del on transcript NM_024675.4 (MANE Select); coding-DNA positions 810 to 828, 19 bases deleted (CAGTGAACTTACTACTCAC).
Protein change: p.Ser270fs; shifts the reading frame from serine 270.
Molecular consequence: frameshift variant.
Genome position (GRCh38, 1-based): chr16:23,635,718-23,635,736, GTGAGTAGTAAGTTCACTG deleted on the plus strand (CAGTGAACTTACTACTCAC on the coding strand, the reverse complement: PALB2 is on the minus strand). VCF-style (leftmost placement, unchanged base first): chr16-23635717-CGTGAGTAGTAAGTTCACTG-C. GRCh37 (hg19) VCF-style: chr16-23647038-CGTGAGTAGTAAGTTCACTG-C.
Other names: c.810_828del19 (NM_024675.3); short protein forms S270fs.
Identifiers: ClinVar variation 480261 (VCV000480261.5), dbSNP rs1555461606, ClinGen allele CA658658439.
Genomic context (GRCh38, chr16:23,635,717, plus strand): 5'-TCATTTTTTTGCCTTGTGCCTCCAAACTTACAGGTGAAGTAAATCTAATGTTTTTTAGGT[CGTGAGTAGTAAGTTCACTG>C]CTACCTTTAGGAGGAATGTGTTCAAGGTGCTGACTACTACCGCTATCTGATAGAGTCTGT-3'